The following is an entry in ClinVar:

ClinVar aggregate classification (germline): Benign. Review status: criteria provided, multiple submitters, no conflicts (2 of 4 stars). 5 submissions from 3 submitters: Benign (5). Last evaluated 2026-02-02.

Conditions:
Complement component 3 deficiency. Identifiers: Orphanet 280133, MedGen C3151071, MONDO:0013417, OMIM 613779.
Age related macular degeneration 9. Identifiers: MedGen C1969651, MONDO:0012659, OMIM 611378.
Atypical hemolytic-uremic syndrome with C3 anomaly. Also called: AHUS, SUSCEPTIBILITY TO, 5. Identifiers: Orphanet 2134, MedGen C2752037, MONDO:0013043, OMIM 612925.
C3 glomerulonephritis. Also called: C3 GLOMERULOPATHY 3; Nephropathy due to CFHR5 Deficiency. Identifiers: Orphanet 329931, MedGen C4055342, MONDO:0013892, OMIM 614809.
Atypical hemolytic-uremic syndrome. Identifiers: Orphanet 2134, MedGen C2931788, MONDO:0016244.

Allele frequency attached by ClinVar (database versions not stated): ESP Exome Variant Server 0.00177; gnomAD exomes 0.00262 and 0.00536; gnomAD 0.00289 and 0.00381; TOPMed 0.00353; ExAC 0.00586; 1000 Genomes Project 30x 0.01015; 1000 Genomes Project 0.01078.
gnomAD v4.1: 4,461 of 1,613,358 alleles (0.28%); highest among the groups gnomAD compares: South Asian, 2.4%; 87 homozygotes.

Submissions (5):

Labcorp Genetics (formerly Invitae), Labcorp
Classification: Benign. Last evaluated: 2026-02-02. Review status: criteria provided, single submitter. Criteria: Invitae Variant Classification Sherloc (09022015). Collection method: clinical testing. Allele origin: germline.

Genomenon, Inc
Classification: Benign for Complement component 3 deficiency; C3 glomerulonephritis; Atypical hemolytic-uremic syndrome. Last evaluated: 2025-09-30. Review status: criteria provided, single submitter. Criteria: Genomenon Sequence Variant Interpretation Standards. Collection method: curation. Allele origin: germline. Affected: no.
Comment: C3 c.600-14C>T is an intronic variant located in intron 5. This variant has been reported in the published literature (PMID:37794962). This variant is present at high allele frequency in population databases. In conclusion, we classify C3 c.600-14C>T as a benign variant.

Illumina Laboratory Services, Illumina
Classification: Benign for Age related macular degeneration 9. Last evaluated: 2018-01-13. Review status: criteria provided, single submitter. Criteria: ICSL Variant Classification Criteria 13 December 2019. Collection method: clinical testing. Allele origin: germline.
Comment: This variant was observed in the ICSL laboratory as part of a predisposition screen in an ostensibly healthy population. It had not been previously curated by ICSL or reported in the Human Gene Mutation Database (HGMD: prior to June 1st, 2018), and was therefore a candidate for classification through an automated scoring system. Utilizing variant allele frequency, disease prevalence and penetrance estimates, and inheritance mode, an automated score was calculated to assess if this variant is too frequent to cause the disease. Based on the score and internal cut-off values, a variant classified as benign is not then subjected to further curation. The score for this variant resulted in a classification of benign for this disease.

Illumina Laboratory Services, Illumina
Classification: Benign for Complement component 3 deficiency. Last evaluated: 2018-01-13. Review status: criteria provided, single submitter. Criteria: ICSL Variant Classification Criteria 13 December 2019. Collection method: clinical testing. Allele origin: germline.
Comment: the same text as in the submission from Illumina Laboratory Services, Illumina above.

Illumina Laboratory Services, Illumina
Classification: Benign for Atypical hemolytic-uremic syndrome with C3 anomaly. Last evaluated: 2018-01-13. Review status: criteria provided, single submitter. Criteria: ICSL Variant Classification Criteria 13 December 2019. Collection method: clinical testing. Allele origin: germline.
Comment: the same text as in the submission from Illumina Laboratory Services, Illumina above.

Literature cited by the submitters: PubMed 37794962 (cited by Genomenon, Inc).

NM_000064.4(C3):c.600-14C>T

Gene: C3 (complement C3; minus strand). Cytogenetic location: 19p13.3.
Variant type: single nucleotide variant.
Coding change: c.600-14C>T on transcript NM_000064.4 (MANE Select); 14 bases into the intron before coding-DNA position 600, C replaced by T.
Molecular consequence: intron variant.
Genome position (GRCh38, 1-based): chr19:6,714,262, G>A on the plus strand (C>T on the coding strand, the complement: C3 is on the minus strand). VCF-style: chr19-6714262-G-A. GRCh37 (hg19) VCF-style: chr19-6714273-G-A.
Other names: c.600-14C>T (LRG_27t1).
Identifiers: ClinVar variation 330338 (VCV000330338.14), dbSNP rs3745558, ClinGen allele CA9129753.
Genomic context (GRCh38, chr19:6,714,262, plus strand): 5'-GCTGTGGTGAGTTTTCATAGTAGGCTCGGATCTTCCACTGGCCCATGCTGTGAGGAGGGC[G>A]GATGAGTGGTCTCTCAGGCCTCGGAGCCCCCCTGCTCCCTCTCCGGGGATAGGGGAGCCC-3'